The following is an entry in ClinVar:

NM_015168.2(ZC3H4):c.2221G>C (p.Asp741His)

Gene: ZC3H4 (zinc finger CCCH-type containing 4; minus strand). Cytogenetic location: 19q13.32.
Variant type: single nucleotide variant.
Coding change: c.2221G>C on transcript NM_015168.2 (MANE Select); coding-DNA position 2221, G replaced by C.
Protein change: p.Asp741His; replaces aspartic acid 741 with histidine.
Molecular consequence: missense variant.
Genome position (GRCh38, 1-based): chr19:47,069,269, C>G on the plus strand (G>C on the coding strand, the complement: ZC3H4 is on the minus strand). VCF-style: chr19-47069269-C-G. GRCh37 (hg19) VCF-style: chr19-47572526-C-G.
Other names: short protein forms D741H.
Identifiers: ClinVar variation 3039743 (VCV003039743.2), dbSNP rs554387468, ClinGen allele CA9534952.

ClinVar aggregate classification (germline): Likely benign (0 of 4 stars; one submission).

Conditions:
ZC3H4-related disorder. Also called: ZC3H4-related condition.

Allele frequency attached by ClinVar (database versions not stated): gnomAD 0.00013; 1000 Genomes Project 0.00060; 1000 Genomes Project 30x 0.00062.
gnomAD v4.1: 69 of 1,613,892 alleles (0.0043%); highest among the groups gnomAD compares: East Asian, 0.14%; no homozygotes.

Submission:

PreventionGenetics, part of Exact Sciences
Classification: Likely benign for ZC3H4-related condition. Last evaluated: 2022-03-15. Review status: no assertion criteria provided. Collection method: clinical testing. Allele origin: germline.
Comment: This variant is classified as likely benign based on ACMG/AMP sequence variant interpretation guidelines (Richards et al. 2015 PMID: 25741868, with internal and published modifications).